The following is an entry in ClinVar:

NM_005708.5(GPC6):c.485A>G (p.Asn162Ser)

Genes: GPC6-AS2 (GPC6 antisense RNA 2; minus strand), GPC6 (glypican 6; plus strand). Cytogenetic location: 13q31.3.
Variant type: single nucleotide variant.
Coding change: c.485A>G on transcript NM_005708.5 (MANE Select); coding-DNA position 485, A replaced by G.
Protein change: p.Asn162Ser; replaces asparagine 162 with serine.
Molecular consequence: missense variant.
Genome position (GRCh38, 1-based): chr13:93,830,319, A>G. VCF-style: chr13-93830319-A-G. GRCh37 (hg19) VCF-style: chr13-94482572-A-G.
Other names: c.485A>G (NM_005708.3); short protein forms N162S.
Identifiers: ClinVar variation 1474091 (VCV001474091.9), dbSNP rs763222689, ClinGen allele CA7016869.

ClinVar aggregate classification (germline): Uncertain significance. Review status: criteria provided, multiple submitters, no conflicts (2 of 4 stars). 3 submissions from 3 submitters: Uncertain significance (3). Last evaluated 2024-05-06.

Conditions:
Inborn genetic diseases. Identifiers: MedGen C0950123, MeSH D030342.
Autosomal recessive omodysplasia (OMOD1). Also called: MICROMELIC DYSPLASIA, CONGENITAL, WITH DISLOCATION OF RADIUS. Identifiers: Orphanet 2733, Orphanet 93329, MedGen C1850318, MONDO:0009779, OMIM 258315.

Allele frequency attached by ClinVar (database versions not stated): ExAC 0.00001; gnomAD 0.00001; gnomAD exomes 0.00001 and 0.00002; TOPMed 0.00003.
gnomAD v4.1: 11 of 1,613,950 alleles (0.00068%); highest among the groups gnomAD compares: Admixed American, 0.0067%; no homozygotes.

Submissions (3):

Labcorp Genetics (formerly Invitae), Labcorp
Classification: Uncertain significance. Last evaluated: 2024-05-06. Review status: criteria provided, single submitter. Criteria: Invitae Variant Classification Sherloc (09022015). Collection method: clinical testing. Allele origin: germline.
Comment: This sequence change replaces asparagine, which is neutral and polar, with serine, which is neutral and polar, at codon 162 of the GPC6 protein (p.Asn162Ser). This variant is present in population databases (rs763222689, gnomAD 0.006%). This variant has not been reported in the literature in individuals affected with GPC6-related conditions. ClinVar contains an entry for this variant (Variation ID: 1474091). Advanced modeling of protein sequence and biophysical properties (such as structural, functional, and spatial information, amino acid conservation, physicochemical variation, residue mobility, and thermodynamic stability) performed at Invitae indicates that this missense variant is not expected to disrupt GPC6 protein function with a negative predictive value of 80%. In summary, the available evidence is currently insufficient to determine the role of this variant in disease. Therefore, it has been classified as a Variant of Uncertain Significance.

Ambry Genetics
Classification: Uncertain significance for Inborn genetic diseases. Last evaluated: 2024-04-20. Review status: criteria provided, single submitter. Criteria: Ambry Variant Classification Scheme 2023. Collection method: clinical testing. Allele origin: germline.

Institute of Human Genetics, University Hospital of Duesseldorf
Classification: Uncertain significance for Autosomal recessive omodysplasia. Review status: criteria provided, single submitter. Criteria: ACMG Guidelines, 2015. Collection method: not provided. Allele origin: germline. Inheritance: Autosomal recessive inheritance. Affected: yes.